The following is an entry in ClinVar:

NM_024513.4(FYCO1):c.217T>C (p.Tyr73His)

Gene: FYCO1 (FYVE and coiled-coil domain autophagy adaptor 1; minus strand). Cytogenetic location: 3p21.31.
Variant type: single nucleotide variant.
Coding change: c.217T>C on transcript NM_024513.4 (MANE Select); coding-DNA position 217, T replaced by C.
Protein change: p.Tyr73His; replaces tyrosine 73 with histidine.
Molecular consequence: missense variant. On other transcripts: non-coding transcript variant (1), intron variant (1).
Genome position (GRCh38, 1-based): chr3:45,979,776, A>G on the plus strand (T>C on the coding strand, the complement: FYCO1 is on the minus strand). VCF-style: chr3-45979776-A-G. GRCh37 (hg19) VCF-style: chr3-46021268-A-G.
Other names: c.217T>C, p.Tyr73His (NM_001386421.1, NM_001386422.1, NM_001386423.1 and 5 more transcripts); c.97T>C, p.Tyr33His (NM_001386426.1); c.-62+5080T>C (NM_001386430.1); c.217T>C (NM_024513.3); short protein forms Y73H, Y33H.
Identifiers: ClinVar variation 1439858 (VCV001439858.7), dbSNP rs762153899, ClinGen allele CA2353550.

ClinVar aggregate classification (germline): Uncertain significance. Review status: criteria provided, multiple submitters, no conflicts (2 of 4 stars). 2 submissions from 2 submitters: Uncertain significance (2). Last evaluated 2025-02-08.

Conditions:
Cataract 18 (CATC2). Also called: CATARACT 18, AUTOSOMAL RECESSIVE. Identifiers: Orphanet 91492, Orphanet 98991, Orphanet 98992, Orphanet 98995, MedGen C1864908, MONDO:0012395, OMIM 610019.
FYCO1-related disorder. Also called: FYCO1-related condition.

Allele frequency attached by ClinVar (database versions not stated): gnomAD exomes below 0.00001 and 0.00001; ExAC 0.00001; TOPMed 0.00001.
gnomAD v4.1: 15 of 1,614,124 alleles (0.00093%); highest among the groups gnomAD compares: African/African-American, 0.0013%; no homozygotes.

Submissions (2):

PreventionGenetics, part of Exact Sciences
Classification: Uncertain significance for FYCO1-related condition. Last evaluated: 2025-02-08. Review status: criteria provided, single submitter. Criteria: ACMG Guidelines, 2015. Collection method: clinical testing. Allele origin: germline.
Comment: The FYCO1 c.217T>C variant is predicted to result in the amino acid substitution p.Tyr73His. To our knowledge, this variant has not been reported in the literature. This variant is reported in 0.0062% of alleles in individuals of African descent in gnomAD. At this time, the clinical significance of this variant is uncertain due to the absence of conclusive functional and genetic evidence.

Labcorp Genetics (formerly Invitae), Labcorp
Classification: Uncertain significance for Cataract 18. Last evaluated: 2021-10-10. Review status: criteria provided, single submitter. Criteria: Invitae Variant Classification Sherloc (09022015). Collection method: clinical testing. Allele origin: germline.
Comment: This variant has not been reported in the literature in individuals affected with FYCO1-related conditions. This variant is present in population databases (rs762153899, ExAC 0.01%). This sequence change replaces tyrosine with histidine at codon 73 of the FYCO1 protein (p.Tyr73His). The tyrosine residue is highly conserved and there is a moderate physicochemical difference between tyrosine and histidine. Algorithms developed to predict the effect of missense changes on protein structure and function are either unavailable or do not agree on the potential impact of this missense change (SIFT: "Deleterious"; PolyPhen-2: "Probably Damaging"; Align-GVGD: "Class C0"). In summary, the available evidence is currently insufficient to determine the role of this variant in disease. Therefore, it has been classified as a Variant of Uncertain Significance.